The following is an entry in ClinVar:

NM_001458.5(FLNC):c.6212A>G (p.Tyr2071Cys)

Genes: FLNC (filamin C; plus strand), FLNC-AS1 (FLNC antisense RNA 1; minus strand). Cytogenetic location: 7q32.1.
Variant type: single nucleotide variant.
Coding change: c.6212A>G on transcript NM_001458.5 (MANE Select); coding-DNA position 6212, A replaced by G.
Protein change: p.Tyr2071Cys; replaces tyrosine 2071 with cysteine.
Molecular consequence: missense variant.
Genome position (GRCh38, 1-based): chr7:128,853,472, A>G. VCF-style: chr7-128853472-A-G. GRCh37 (hg19) VCF-style: chr7-128493526-A-G.
Other names: c.6113A>G, p.Tyr2038Cys (NM_001127487.2); short protein forms Y2038C, Y2071C.
Identifiers: ClinVar variation 1512659 (VCV001512659.8), dbSNP rs2128939068, ClinGen allele CA369211809.
Genomic context (GRCh38, chr7:128,853,472, plus strand): 5'-GCATTGTGGCTTGGCCAGCCTAGGACTGAGGGAGATGTGTTCCTTGCTTTCCCCCAGGTT[A>G]TGGGGGCTTGGGGCTGAGTATTGAAGGCCCAAGCAAGGTGGACATCAACTGTGAGGACAT-3'
Protein context (NP_001449.3, residues 2061-2081): EFIVDTRNAG[Tyr2071Cys]GGLGLSIEGP

ClinVar aggregate classification (germline): Uncertain significance (1 of 4 stars; one submission).

Conditions:
Myofibrillar myopathy 5. Also called: Filaminopathy (type); FILAMINOPATHY, AUTOSOMAL DOMINANT. Identifiers: Orphanet 171445, MedGen C1836050, MONDO:0012289, OMIM 609524.
Distal myopathy with posterior leg and anterior hand involvement. Also called: WILLIAMS DISTAL MYOPATHY. Identifiers: Orphanet 63273, MedGen C3279722, MONDO:0013550, OMIM 614065.
Hypertrophic cardiomyopathy 26. Also called: Cardiomyopathy, familial hypertrophic, 26. Identifiers: Orphanet 75249, MedGen C4310749, MONDO:0014883, OMIM 617047.

Submission:

Labcorp Genetics (formerly Invitae), Labcorp
Classification: Uncertain significance for Distal myopathy with posterior leg and anterior hand involvement; Myofibrillar myopathy 5; Hypertrophic cardiomyopathy 26. Last evaluated: 2020-12-27. Review status: criteria provided, single submitter. Criteria: Invitae Variant Classification Sherloc (09022015). Collection method: clinical testing. Allele origin: germline.
Comment: This variant is not present in population databases (ExAC no frequency). This variant has not been reported in the literature in individuals with FLNC-related conditions. Algorithms developed to predict the effect of missense changes on protein structure and function are either unavailable or do not agree on the potential impact of this missense change (SIFT: "Deleterious"; PolyPhen-2: "Probably Damaging"; Align-GVGD: "Class C0"). In summary, the available evidence is currently insufficient to determine the role of this variant in disease. Therefore, it has been classified as a Variant of Uncertain Significance. This sequence change replaces tyrosine with cysteine at codon 2071 of the FLNC protein (p.Tyr2071Cys). The tyrosine residue is highly conserved and there is a large physicochemical difference between tyrosine and cysteine.